The following is an entry in ClinVar:

NM_007294.4(BRCA1):c.954_955insGT (p.Asn319fs)

Gene: BRCA1 (BRCA1 DNA repair associated; minus strand). Cytogenetic location: 17q21.31.
Variant type: Insertion.
Coding change: c.954_955insGT on transcript NM_007294.4 (MANE Select); coding-DNA positions 954 to 955, GT inserted.
Protein change: p.Asn319fs; shifts the reading frame from asparagine 319.
Molecular consequence: frameshift variant. On other transcripts: intron variant (137).
Genome position: GRCh38 VCF-style: chr17-43094576-T-TAC. GRCh37 (hg19) VCF-style: chr17-41246593-T-TAC.
Other names: 1072delAins3; c.954_955insGT, p.Asn319fs (NM_007294.3, NM_001407581.1, NM_001407582.1 and 31 more transcripts); c.741_742insGT, p.Asn248fs (NM_001407571.1, NM_001407915.1, NM_001407916.1 and 9 more transcripts); c.951_952insGT, p.Asn318fs (NM_001407587.1, NM_001407590.1, NM_001407591.1 and 22 more transcripts); c.945_946insGT, p.Asn316fs (NM_001407646.1, NM_001407647.1); c.831_832insGT, p.Asn278fs (NM_001407648.1, NM_001407664.1, NM_001407665.1 and 19 more transcripts); c.873_874insGT, p.Asn292fs (NM_001407661.1, NM_001407662.1, NM_001407659.1 and 1 more transcripts); c.876_877insGT, p.Asn293fs (NM_001407663.1, NM_001407653.1, NM_001407654.1 and 4 more transcripts); and 41 more; short protein forms N319fs, N272fs, N192fs, N231fs, N248fs, N251fs, N292fs, N293fs.
Identifiers: ClinVar variation 254385 (VCV000254385.3), dbSNP rs80357690, ClinGen allele CA003982.

ClinVar aggregate classification (germline): Pathogenic. Review status: reviewed by expert panel (3 of 4 stars). 2 submissions from 2 submitters: Pathogenic (1). 1 of the submissions does not count toward it. Last evaluated 2016-09-08.

Conditions:
Breast-ovarian cancer, familial, susceptibility to, 1 (BROVCA1). Also called: BRCA1 Hereditary Breast and Ovarian Cancer; OVARIAN CANCER, SUSCEPTIBILITY TO. Identifiers: Orphanet 145, MedGen C2676676, MONDO:0011450, OMIM 604370. Disease mechanism: loss of function.

Submissions (2):

Evidence-based Network for the Interpretation of Germline Mutant Alleles (ENIGMA)
Classification: Pathogenic for Breast-ovarian cancer, familial, susceptibility to, 1. Last evaluated: 2016-09-08. Review status: reviewed by expert panel. Criteria: ENIGMA BRCA1/2 Classification Criteria (2015). Collection method: curation. Allele origin: germline.
Comment: Variant allele predicted to encode a truncated non-functional protein.

Breast Cancer Information Core (BIC) (BRCA1)
Classification: Pathogenic for Breast-ovarian cancer, familial 1. Last evaluated: 2004-11-25. Review status: no assertion criteria provided. Collection method: clinical testing. Allele origin: germline. Affected: yes. Observed: 1 variant allele. Not counted in ClinVar's aggregate classification.